The following is an entry in ClinVar:

ClinVar aggregate classification (germline): Uncertain significance (1 of 4 stars; one submission).

Submission:

Labcorp Genetics (formerly Invitae), Labcorp
Classification: Uncertain significance. Last evaluated: 2025-05-23. Review status: criteria provided, single submitter. Criteria: Invitae Variant Classification Sherloc (09022015). Collection method: clinical testing. Allele origin: germline.
Comment: This sequence change replaces asparagine, which is neutral and polar, with serine, which is neutral and polar, at codon 870 of the SIN3A protein (p.Asn870Ser). This variant is not present in population databases (gnomAD no frequency). This variant has not been reported in the literature in individuals affected with SIN3A-related conditions. Invitae Evidence Modeling of protein sequence and biophysical properties (such as structural, functional, and spatial information, amino acid conservation, physicochemical variation, residue mobility, and thermodynamic stability) indicates that this missense variant is not expected to disrupt SIN3A protein function with a negative predictive value of 80%. In summary, the available evidence is currently insufficient to determine the role of this variant in disease. Therefore, it has been classified as a Variant of Uncertain Significance.

NM_001145358.2(SIN3A):c.2609A>G (p.Asn870Ser)

Gene: SIN3A (SIN3 transcription regulator family member A; minus strand). Cytogenetic location: 15q24.2.
Variant type: single nucleotide variant.
Coding change: c.2609A>G on transcript NM_001145358.2 (MANE Select); coding-DNA position 2609, A replaced by G.
Protein change: p.Asn870Ser; replaces asparagine 870 with serine.
Molecular consequence: missense variant.
Genome position (GRCh38, 1-based): chr15:75,392,484, T>C on the plus strand (A>G on the coding strand, the complement: SIN3A is on the minus strand). VCF-style: chr15-75392484-T-C. GRCh37 (hg19) VCF-style: chr15-75684825-T-C.
Other names: c.2609A>G, p.Asn870Ser (NM_001145357.2, NM_001437462.1, NM_001437463.1 and 1 more transcripts); short protein forms N870S.
Identifiers: ClinVar variation 4803424 (VCV004803424.1).